The following is an entry in ClinVar:

ClinVar aggregate classification (germline): Pathogenic (1 of 4 stars; one submission).

Submission:

Labcorp Genetics (formerly Invitae), Labcorp
Classification: Pathogenic. Last evaluated: 2024-01-02. Review status: criteria provided, single submitter. Criteria: Invitae Variant Classification Sherloc (09022015). Collection method: clinical testing. Allele origin: germline.
Comment: This sequence change creates a premature translational stop signal (p.Glu113*) in the MICU1 gene. It is expected to result in an absent or disrupted protein product. Loss-of-function variants in MICU1 are known to be pathogenic (PMID: 24336167). This variant is not present in population databases (gnomAD no frequency). This variant has not been reported in the literature in individuals affected with MICU1-related conditions. For these reasons, this variant has been classified as Pathogenic.

Literature cited by the submitters: PubMed 24336167.

NM_001195518.2(MICU1):c.337G>T (p.Glu113Ter)

Gene: MICU1 (mitochondrial calcium uptake 1; minus strand). Cytogenetic location: 10q22.1.
Variant type: single nucleotide variant.
Coding change: c.337G>T on transcript NM_001195518.2 (MANE Select); coding-DNA position 337, G replaced by T.
Protein change: p.Glu113Ter; replaces glutamic acid 113 with a stop codon.
Molecular consequence: nonsense.
Genome position (GRCh38, 1-based): chr10:72,551,335, C>A on the plus strand (G>T on the coding strand, the complement: MICU1 is on the minus strand). VCF-style: chr10-72551335-C-A. GRCh37 (hg19) VCF-style: chr10-74311093-C-A.
Other names: c.337G>T, p.Glu113Ter (NM_001363513.2, NM_006077.4); short protein forms E113*.
Identifiers: ClinVar variation 2874670 (VCV002874670.3), dbSNP rs2495643520, ClinGen allele CA377395166.